The following is an entry in ClinVar:

ClinVar aggregate classification (germline): Uncertain significance. Review status: criteria provided, multiple submitters, no conflicts (2 of 4 stars). 4 submissions from 4 submitters: Uncertain significance (4). Last evaluated 2024-07-29.

Conditions:
Breast-ovarian cancer, familial, susceptibility to, 4. Identifiers: Orphanet 145, MedGen C3280345, MONDO:0013669, OMIM 614291.
Hereditary cancer-predisposing syndrome. Also called: Neoplastic Syndromes, Hereditary; Tumor predisposition; Hereditary Cancer Syndrome; Hereditary neoplastic syndrome. Identifiers: Orphanet 140162, MedGen C0027672, MeSH D009386, MONDO:0015356.

Allele frequency attached by ClinVar (database versions not stated): gnomAD exomes below 0.00001 and 0.00001; ExAC 0.00001.
gnomAD v4.1: 9 of 1,614,176 alleles (0.00056%); highest among the groups gnomAD compares: South Asian, 0.0077%; no homozygotes.

Submissions (4):

Ambry Genetics
Classification: Uncertain significance for Hereditary cancer-predisposing syndrome. Last evaluated: 2024-07-29. Review status: criteria provided, single submitter. Criteria: Ambry Variant Classification Scheme 2023. Collection method: clinical testing. Allele origin: germline.
Comment: The p.T77I variant (also known as c.230C>T), located in coding exon 3 of the RAD51D gene, results from a C to T substitution at nucleotide position 230. The threonine at codon 77 is replaced by isoleucine, an amino acid with similar properties. This amino acid position is not well conserved in available vertebrate species. In addition, the in silico prediction for this alteration is inconclusive. Since supporting evidence is limited at this time, the clinical significance of this alteration remains unclear.

Labcorp Genetics (formerly Invitae), Labcorp
Classification: Uncertain significance for Breast-ovarian cancer, familial, susceptibility to, 4. Last evaluated: 2024-04-15. Review status: criteria provided, single submitter. Criteria: Invitae Variant Classification Sherloc (09022015). Collection method: clinical testing. Allele origin: germline.
Comment: This sequence change replaces threonine, which is neutral and polar, with isoleucine, which is neutral and non-polar, at codon 77 of the RAD51D protein (p.Thr77Ile). This variant is present in population databases (rs777826765, gnomAD 0.01%). This variant has not been reported in the literature in individuals affected with RAD51D-related conditions. ClinVar contains an entry for this variant (Variation ID: 472593). Advanced modeling of protein sequence and biophysical properties (such as structural, functional, and spatial information, amino acid conservation, physicochemical variation, residue mobility, and thermodynamic stability) performed at Invitae indicates that this missense variant is not expected to disrupt RAD51D protein function with a negative predictive value of 80%. In summary, the available evidence is currently insufficient to determine the role of this variant in disease. Therefore, it has been classified as a Variant of Uncertain Significance.

Color Diagnostics, LLC DBA Color Health
Classification: Uncertain significance for Hereditary cancer-predisposing syndrome. Last evaluated: 2023-12-05. Review status: criteria provided, single submitter. Criteria: ACMG Guidelines, 2015. Collection method: clinical testing. Allele origin: germline.
Comment: This missense variant replaces threonine with isoleucine at codon 77 of the RAD51D protein. Computational prediction suggests that this variant may not impact protein structure and function (internally defined REVEL score threshold <= 0.5, PMID: 27666373). To our knowledge, functional studies have not been reported for this variant. This variant has not been reported in individuals affected with RAD51D-related disorders in the literature. This variant has been identified in 3/251468 chromosomes in the general population by the Genome Aggregation Database (gnomAD). The available evidence is insufficient to determine the role of this variant in disease conclusively. Therefore, this variant is classified as a Variant of Uncertain Significance.

GeneDx
Classification: Uncertain significance. Last evaluated: 2023-11-02. Review status: criteria provided, single submitter. Criteria: GeneDx Variant Classification Process June 2021. Collection method: clinical testing. Allele origin: germline. Affected: yes.
Comment: Not observed at significant frequency in large population cohorts (gnomAD); In silico analysis supports that this missense variant has a deleterious effect on protein structure/function; Has not been previously published as pathogenic or benign to our knowledge; This variant is associated with the following publications: (PMID: 14704354, 19327148, 21111057)

NM_002878.4(RAD51D):c.230C>T (p.Thr77Ile)

Genes: RAD51D (RAD51 paralog D; minus strand), RAD51L3-RFFL (RAD51L3-RFFL readthrough; minus strand). Cytogenetic location: 17q12.
Variant type: single nucleotide variant.
Coding change: c.230C>T on transcript NM_002878.4 (MANE Select); coding-DNA position 230, C replaced by T.
Protein change: p.Thr77Ile; replaces threonine 77 with isoleucine.
Molecular consequence: missense variant. On other transcripts: intron variant (2).
Genome position (GRCh38, 1-based): chr17:35,118,534, G>A on the plus strand (C>T on the coding strand, the complement: RAD51D is on the minus strand). VCF-style: chr17-35118534-G-A. GRCh37 (hg19) VCF-style: chr17-33445553-G-A.
Other names: c.144+577C>T (NM_133629.3, NM_001142571.2); short protein forms T77I.
Identifiers: ClinVar variation 472593 (VCV000472593.17), dbSNP rs777826765, ClinGen allele CA8499622.
Genomic context (GRCh38, chr17:35,118,534, plus strand): 5'-CCTTCTTCCCCAAGTACACACACAAACCTGCCAATGCCAGTGGACAGGATGGCAGTGGAG[G>A]TCTTCAGTTCCTCGTAGAGATCAGCGCCATTCACGGGGAAAGCCGAGAACTGAGCCAGCA-3'
Protein context (NP_002869.3, residues 67-87): NGADLYEELK[Thr77Ile]STAILSTGIG